The following is an entry in ClinVar:

NM_000179.3(MSH6):c.2216C>G (p.Thr739Arg)

Gene: MSH6 (mutS homolog 6; plus strand). Cytogenetic location: 2p16.3.
Variant type: single nucleotide variant.
Coding change: c.2216C>G on transcript NM_000179.3 (MANE Select); coding-DNA position 2216, C replaced by G.
Protein change: p.Thr739Arg; replaces threonine 739 with arginine.
Molecular consequence: missense variant.
Genome position (GRCh38, 1-based): chr2:47,800,199, C>G. VCF-style: chr2-47800199-C-G. GRCh37 (hg19) VCF-style: chr2-48027338-C-G.
Other names: c.1826C>G, p.Thr609Arg (NM_001281492.2); c.1310C>G, p.Thr437Arg (NM_001281493.2, NM_001281494.2, NM_001406811.1 and 6 more transcripts); c.2312C>G, p.Thr771Arg (NM_001406795.1, NM_001406802.1); c.2216C>G, p.Thr739Arg (NM_001406796.1, NM_001406798.1, NM_001406800.1 and 3 more transcripts); c.1919C>G, p.Thr640Arg (NM_001406797.1, NM_001406801.1, NM_001406805.1 and 10 more transcripts); c.1691C>G, p.Thr564Arg (NM_001406799.1, NM_001406806.1, NM_001406807.1); c.2138C>G, p.Thr713Arg (NM_001406804.1); c.2048C>G, p.Thr683Arg (NM_001406826.1); and 1 more; short protein forms T609R, T640R, T683R, T713R, T437R, T564R, T739R, T741R.
Identifiers: ClinVar variation 1787842 (VCV001787842.3), dbSNP rs1553413583, ClinGen allele CA346752405.

ClinVar aggregate classification (germline): Uncertain significance (1 of 4 stars; one submission).

Conditions:
Hereditary cancer-predisposing syndrome. Also called: Hereditary Cancer Syndrome; Hereditary neoplastic syndrome; Neoplastic Syndromes, Hereditary; Tumor predisposition. Identifiers: Orphanet 140162, MedGen C0027672, MeSH D009386, MONDO:0015356.

Submission:

Ambry Genetics
Classification: Uncertain significance for Hereditary cancer-predisposing syndrome. Last evaluated: 2026-08-17. Review status: criteria provided, single submitter. Criteria: Ambry Variant Classification Scheme 2023. Collection method: clinical testing. Allele origin: germline.
Comment: The p.T739R variant (also known as c.2216C>G), located in coding exon 4 of the MSH6 gene, results from a C to G substitution at nucleotide position 2216. The threonine at codon 739 is replaced by arginine, an amino acid with similar properties. This amino acid position is highly conserved in available vertebrate species. In addition, this alteration is predicted to be deleterious by in silico analysis. Based on the available evidence, the clinical significance of this variant remains unclear.